The following is an entry in ClinVar:

ClinVar aggregate classification (germline): Uncertain significance. Review status: criteria provided, multiple submitters, no conflicts (2 of 4 stars). 3 submissions from 3 submitters: Uncertain significance (3). Last evaluated 2025-12-03.

Conditions:
DICER1-related tumor predisposition. Also called: DICER1 syndrome; DICER1-related pleuropulmonary blastoma cancer predisposition syndrome. Identifiers: Orphanet 284343, MedGen C3839822, MONDO:0100216.
Hereditary cancer-predisposing syndrome. Also called: Neoplastic Syndromes, Hereditary; Tumor predisposition; Hereditary neoplastic syndrome; Hereditary Cancer Syndrome. Identifiers: Orphanet 140162, MedGen C0027672, MeSH D009386, MONDO:0015356.

Allele frequency attached by ClinVar (database versions not stated): gnomAD exomes below 0.00001; TOPMed below 0.00001; ESP Exome Variant Server 0.00008.
gnomAD v4.1: 3 of 1,613,866 alleles (0.00019%); highest among the groups gnomAD compares: East Asian, 0.0022%; no homozygotes.

Submissions (3):

Labcorp Genetics (formerly Invitae), Labcorp
Classification: Uncertain significance for DICER1-related tumor predisposition. Last evaluated: 2025-12-03. Review status: criteria provided, single submitter. Criteria: Invitae Variant Classification Sherloc (09022015). Collection method: clinical testing. Allele origin: germline.
Comment: This sequence change replaces arginine, which is basic and polar, with tryptophan, which is neutral and slightly polar, at codon 859 of the DICER1 protein (p.Arg859Trp). This variant is present in population databases (rs144649926, gnomAD 0.006%). This variant has not been reported in the literature in individuals affected with DICER1-related conditions. ClinVar contains an entry for this variant (Variation ID: 242067). Invitae Evidence Modeling of protein sequence and biophysical properties (such as structural, functional, and spatial information, amino acid conservation, physicochemical variation, residue mobility, and thermodynamic stability) has been performed for this missense variant. However, the output from this modeling did not meet the statistical confidence thresholds required to predict the impact of this variant on DICER1 protein function. RNA analysis performed to evaluate the impact of this missense change on mRNA splicing indicates it does not significantly alter splicing (internal data). In summary, the available evidence is currently insufficient to determine the role of this variant in disease. Therefore, it has been classified as a Variant of Uncertain Significance.

Ambry Genetics
Classification: Uncertain significance for Hereditary cancer-predisposing syndrome. Last evaluated: 2025-07-14. Review status: criteria provided, single submitter. Criteria: Ambry Variant Classification Scheme 2023. Collection method: clinical testing. Allele origin: germline.
Comment: The p.R859W variant (also known as c.2575C>T), located in coding exon 15 of the DICER1 gene, results from a C to T substitution at nucleotide position 2575. The arginine at codon 859 is replaced by tryptophan, an amino acid with dissimilar properties. This amino acid position is highly conserved in available vertebrate species. In addition, this alteration is predicted to be deleterious by in silico analysis. Since supporting evidence is limited at this time, the clinical significance of this alteration remains unclear.

Center for Genomic Medicine, Rigshospitalet, Copenhagen University Hospital
Classification: Uncertain significance. Last evaluated: 2025-03-04. Review status: criteria provided, single submitter. Criteria: ACMG Guidelines, 2015. Collection method: clinical testing. Allele origin: germline.

NM_177438.3(DICER1):c.2575C>T (p.Arg859Trp)

Gene: DICER1 (dicer 1, ribonuclease III; minus strand). Cytogenetic location: 14q32.13.
Variant type: single nucleotide variant.
Coding change: c.2575C>T on transcript NM_177438.3 (MANE Select); coding-DNA position 2575, C replaced by T.
Protein change: p.Arg859Trp; replaces arginine 859 with tryptophan.
Molecular consequence: missense variant.
Genome position (GRCh38, 1-based): chr14:95,107,955, G>A on the plus strand (C>T on the coding strand, the complement: DICER1 is on the minus strand). VCF-style: chr14-95107955-G-A. GRCh37 (hg19) VCF-style: chr14-95574292-G-A.
Other names: c.2575C>T, p.Arg859Trp (NM_001195573.1, NM_001271282.3, NM_001291628.2 and 1 more transcripts); short protein forms R859W.
Identifiers: ClinVar variation 242067 (VCV000242067.16), dbSNP rs144649926, ClinGen allele CA10583210.
Genomic context (GRCh38, chr14:95,107,955, plus strand): 5'-GAACACAGTATGCTGAATCAGCGTCTGTAGGTTTAAATTCTAGTGCAGGTTTTTCAAGCC[G>A]AAGAATATGTGAGAATATATACTGGTGAAGTCTTGTAATCAACTCAAGCATTTGTAGAGA-3'
Protein context (NP_803187.1, residues 849-869): LHQYIFSHIL[Arg859Trp]LEKPALEFKP